The following is an entry in ClinVar:

ClinVar aggregate classification (germline): Benign (1 of 4 stars; one submission).

Conditions:
Leigh syndrome (NULS). Also called: Leigh's necrotizing encephalopathy; Leigh's disease; Leigh Syndrome (mtDNA deletion); Leigh Disease; Subacute necrotizing encephalopathy; Necrotizing encephalopathy infantile subacute of Leigh. Identifiers: Orphanet 506, MedGen C2931891, MONDO:0009723, OMIM 256000.

Submission:

Wong Mito Lab, Molecular and Human Genetics, Baylor College of Medicine
Classification: Benign for Leigh syndrome. Last evaluated: 2019-10-17. Review status: criteria provided, single submitter. Criteria: Modified ACMG Guidelines (Unpublished). Collection method: clinical testing. Allele origin: germline.
Comment: The NC_012920.1:m.8762T>C (YP_003024031.1:p.Ile79Thr) variant in MTATP6 gene is interpretated to be a Benign variant based on the modified ACMG guidelines (unpublished). This variant meets the following evidence codes: BS1, BS2

NC_012920.1(MT-ATP6):m.8762T>C

Gene: MT-ATP6 (mitochondrially encoded ATP synthase 6; plus strand).
Variant type: single nucleotide variant.
Genome position: chrM-8762-T-C.
Identifiers: ClinVar variation 692977 (VCV000692977.1), dbSNP rs1603221778, ClinGen allele CA414797926.
Genomic context (GRCh38, chrMT:8,762, plus strand): 5'-CCATACACAACACTAAAGGACGAACCTGATCTCTTATACTAGTATCCTTAATCATTTTTA[T>C]TGCCACAACTAACCTCCTCGGACTCCTGCCTCACTCATTTACACCAACCACCCAACTATC-3'